The following is an entry in ClinVar:

NM_001317778.2(SFTPC):c.42G>A (p.Pro14=)

Gene: SFTPC (surfactant protein C; plus strand). Cytogenetic location: 8p21.3.
Variant type: single nucleotide variant.
Coding change: c.42G>A on transcript NM_001317778.2 (MANE Select); coding-DNA position 42, G replaced by A.
Protein change: p.Pro14=; no amino-acid change (proline 14 retained).
Molecular consequence: synonymous variant.
Genome position (GRCh38, 1-based): chr8:22,161,870, G>A. VCF-style: chr8-22161870-G-A. GRCh37 (hg19) VCF-style: chr8-22019383-G-A.
Other names: c.42G>A, p.Pro14= (NM_001172357.2, NM_001172410.2, NM_001317779.2 and 2 more transcripts).
Identifiers: ClinVar variation 362551 (VCV000362551.42), dbSNP rs199905878, ClinGen allele CA4663855.

ClinVar aggregate classification (germline): Benign/Likely benign. Review status: criteria provided, multiple submitters, no conflicts (2 of 4 stars). 7 submissions from 6 submitters: Benign (2); Likely benign (5). Last evaluated 2026-08-19.

Conditions:
Hereditary pulmonary alveolar proteinosis. Also called: Pulmonary surfactant metabolism dysfunction. Identifiers: Orphanet 264675, MedGen C3711368, MONDO:0012580.
Surfactant metabolism dysfunction, pulmonary, 2 (SMDP2). Also called: DESQUAMATIVE INTERSTITIAL PNEUMONITIS DUE TO SURFACTANT PROTEIN C DEFICIENCY; INTERSTITIAL LUNG DISEASE DUE TO SURFACTANT PROTEIN C DEFICIENCY; PULMONARY ALVEOLAR PROTEINOSIS, CONGENITAL, 2. Identifiers: Orphanet 440392, MedGen C1970470, MONDO:0024465, OMIM 610913.
Interstitial lung disease 2 (ILD2). Also called: FIBROCYSTIC PULMONARY DYSPLASIA; FIBROSING ALVEOLITIS, CRYPTOGENIC; Familial idiopathic pulmonary fibrosis. Identifiers: Orphanet 2032, Orphanet 79126, MedGen C5561926, MONDO:0800497, OMIM 178500, MONDO:0800029.

Allele frequency attached by ClinVar (database versions not stated): TOPMed 0.00038; gnomAD 0.00059 and 0.00055; gnomAD exomes 0.00069; ESP Exome Variant Server 0.00062; ExAC 0.00067.

Submissions (7):

Ambry Genetics
Classification: Benign for Hereditary pulmonary alveolar proteinosis. Last evaluated: 2026-08-19. Review status: criteria provided, single submitter. Criteria: Ambry Variant Classification Scheme 2023. Collection method: clinical testing. Allele origin: germline.

Labcorp Genetics (formerly Invitae), Labcorp
Classification: Benign. Last evaluated: 2025-10-10. Review status: criteria provided, single submitter. Criteria: Invitae Variant Classification Sherloc (09022015). Collection method: clinical testing. Allele origin: germline.

Blueprint Genetics
Classification: Likely benign. Last evaluated: 2024-10-10. Review status: criteria provided, single submitter. Criteria: ACMG Guidelines, 2015. Collection method: clinical testing. Allele origin: germline.

CeGaT Center for Human Genetics Tuebingen
Classification: Likely benign. Last evaluated: 2023-06-01. Review status: criteria provided, single submitter. Criteria: CeGaT Center For Human Genetics Tuebingen Variant Classification Criteria Version 2. Collection method: clinical testing. Allele origin: germline. Affected: yes. Observed: 1 variant allele.
Comment: SFTPC: BP4, BP7

Johns Hopkins Genomics, Johns Hopkins University
Classification: Likely benign for Surfactant metabolism dysfunction, pulmonary, 2. Last evaluated: 2022-01-09. Review status: criteria provided, single submitter. Criteria: ACMG Guidelines, 2015. Collection method: clinical testing. Allele origin: germline.

Illumina Laboratory Services, Illumina
Classification: Likely benign for Idiopathic fibrosing alveolitis, chronic form. Last evaluated: 2017-04-27. Review status: criteria provided, single submitter. Criteria: ICSL Variant Classification Criteria 13 December 2019. Collection method: clinical testing. Allele origin: germline.
Comment: This variant was observed as part of a predisposition screen in an ostensibly healthy population. A literature search was performed for the gene, cDNA change, and amino acid change (where applicable). No publications were found based on this search. Allele frequency data from public databases allowed determination this variant is unlikely to cause disease. Therefore, this variant is classified as likely benign.

Illumina Laboratory Services, Illumina
Classification: Likely benign for Surfactant metabolism dysfunction, pulmonary, 2. Last evaluated: 2017-04-27. Review status: criteria provided, single submitter. Criteria: ICSL Variant Classification Criteria 13 December 2019. Collection method: clinical testing. Allele origin: germline.
Comment: the same text as in the submission from Illumina Laboratory Services, Illumina above.

Literature cited by the submitters: PubMed 14735158 (cited by Ambry Genetics and Johns Hopkins Genomics, Johns Hopkins University); PubMed 15516475 (cited by Ambry Genetics); PubMed 19910179 (cited by Ambry Genetics); PubMed 15709974 (cited by Johns Hopkins Genomics, Johns Hopkins University).